The following is an entry in ClinVar:

ClinVar aggregate classification (germline): Uncertain significance (1 of 4 stars; one submission).

Allele frequency attached by ClinVar (database versions not stated): gnomAD exomes below 0.00001 and 0.00001; gnomAD 0.00001; TOPMed 0.00001; ExAC 0.00002; 1000 Genomes Project 30x 0.00016; 1000 Genomes Project 0.00020.

Submission:

Labcorp Genetics (formerly Invitae), Labcorp
Classification: Uncertain significance. Last evaluated: 2024-02-17. Review status: criteria provided, single submitter. Criteria: Invitae Variant Classification Sherloc (09022015). Collection method: clinical testing. Allele origin: germline.
Comment: This sequence change replaces methionine, which is neutral and non-polar, with threonine, which is neutral and polar, at codon 381 of the CCBE1 protein (p.Met381Thr). This variant is present in population databases (rs548559412, gnomAD 0.01%). This variant has not been reported in the literature in individuals affected with CCBE1-related conditions. ClinVar contains an entry for this variant (Variation ID: 1434286). Advanced modeling of protein sequence and biophysical properties (such as structural, functional, and spatial information, amino acid conservation, physicochemical variation, residue mobility, and thermodynamic stability) performed at Invitae indicates that this missense variant is not expected to disrupt CCBE1 protein function with a negative predictive value of 80%. In summary, the available evidence is currently insufficient to determine the role of this variant in disease. Therefore, it has been classified as a Variant of Uncertain Significance.

NM_133459.4(CCBE1):c.1142T>C (p.Met381Thr)

Gene: CCBE1 (collagen and calcium binding EGF domains 1; minus strand). Cytogenetic location: 18q21.32.
Variant type: single nucleotide variant.
Coding change: c.1142T>C on transcript NM_133459.4 (MANE Select); coding-DNA position 1142, T replaced by C.
Protein change: p.Met381Thr; replaces methionine 381 with threonine.
Molecular consequence: missense variant.
Genome position (GRCh38, 1-based): chr18:59,435,987, A>G on the plus strand (T>C on the coding strand, the complement: CCBE1 is on the minus strand). VCF-style: chr18-59435987-A-G. GRCh37 (hg19) VCF-style: chr18-57103219-A-G.
Other names: short protein forms M381T.
Identifiers: ClinVar variation 1434286 (VCV001434286.7), dbSNP rs548559412, ClinGen allele CA8980165.